The following is an entry in ClinVar:

ClinVar aggregate classification (germline): Uncertain significance. Review status: criteria provided, single submitter (1 of 4 stars). 2 submissions from 2 submitters: Uncertain significance (1). 1 of the submissions does not count toward it. Last evaluated 2024-04-23.

Conditions:
PEX16-related disorder. Also called: PEX16-related condition.

Submissions (2):

Blueprint Genetics
Classification: Uncertain significance. Last evaluated: 2024-04-23. Review status: criteria provided, single submitter. Criteria: ACMG Guidelines, 2015. Collection method: clinical testing. Allele origin: germline.

PreventionGenetics, part of Exact Sciences
Classification: Uncertain significance for PEX16-related condition. Last evaluated: 2024-06-28. Review status: no assertion criteria provided. Collection method: clinical testing. Allele origin: germline. Not counted in ClinVar's aggregate classification.
Comment: The PEX16 c.980dupT variant is predicted to result in a frameshift and premature protein termination (p.Pro328Thrfs*84). To our knowledge, this variant has not been reported in the literature. This variant is reported in 0.0035% of alleles in individuals of European (Non-Finnish) descent in gnomAD. Although we suspect that this variant may be pathogenic, at this time, the clinical significance of this variant is uncertain due to the absence of conclusive functional and genetic evidence.

NM_004813.4(PEX16):c.*104dup

Gene: PEX16 (peroxisomal biogenesis factor 16; minus strand). Cytogenetic location: 11p11.2.
Variant type: Duplication.
Coding change: c.*104dup on transcript NM_004813.4 (MANE Select); 104 bases downstream of the stop codon, one base duplicated (T; older notation c.*104dupT).
Molecular consequence: 3 prime UTR variant. On other transcripts: frameshift variant (1).
Genome position (GRCh38, 1-based): chr11:45,910,150, A duplicated on the plus strand (T on the coding strand, the reverse complement: PEX16 is on the minus strand). VCF-style (leftmost placement, unchanged base first): chr11-45910149-T-TA. GRCh37 (hg19) VCF-style: chr11-45931700-T-TA.
Other names: c.980dup, p.Pro328fs (NM_057174.3); short protein forms P328fs.
Identifiers: ClinVar variation 3357358 (VCV003357358.2).